The following is an entry in ClinVar:

ClinVar aggregate classification (germline): Uncertain significance. Review status: criteria provided, multiple submitters, no conflicts (2 of 4 stars). 2 submissions from 2 submitters: Uncertain significance (2). Last evaluated 2025-12-22.

Allele frequency attached by ClinVar (database versions not stated): ESP Exome Variant Server 0.00008; gnomAD 0.00001; gnomAD exomes 0.00001; ExAC 0.00002; TOPMed 0.00003.

Submissions (2):

Ambry Genetics
Classification: Uncertain significance. Last evaluated: 2025-12-22. Review status: criteria provided, single submitter. Criteria: Ambry Variant Classification Scheme 2023. Collection method: clinical testing. Allele origin: germline.

Labcorp Genetics (formerly Invitae), Labcorp
Classification: Uncertain significance. Last evaluated: 2022-06-20. Review status: criteria provided, single submitter. Criteria: Invitae Variant Classification Sherloc (09022015). Collection method: clinical testing. Allele origin: germline.
Comment: In summary, the available evidence is currently insufficient to determine the role of this variant in disease. Therefore, it has been classified as a Variant of Uncertain Significance. Algorithms developed to predict the effect of missense changes on protein structure and function are either unavailable or do not agree on the potential impact of this missense change (SIFT: "Tolerated"; PolyPhen-2: "Probably Damaging"; Align-GVGD: "Class C0"). This variant has not been reported in the literature in individuals affected with C8A-related conditions. This variant is present in population databases (rs146489003, gnomAD 0.003%). This sequence change replaces arginine, which is basic and polar, with tryptophan, which is neutral and slightly polar, at codon 422 of the C8A protein (p.Arg422Trp).

NM_000562.3(C8A):c.1264C>T (p.Arg422Trp)

Gene: C8A (complement C8 alpha chain; plus strand). Cytogenetic location: 1p32.2.
Variant type: single nucleotide variant.
Coding change: c.1264C>T on transcript NM_000562.3 (MANE Select); coding-DNA position 1264, C replaced by T.
Protein change: p.Arg422Trp; replaces arginine 422 with tryptophan.
Molecular consequence: missense variant.
Genome position (GRCh38, 1-based): chr1:56,907,997, C>T. VCF-style: chr1-56907997-C-T. GRCh37 (hg19) VCF-style: chr1-57373670-C-T.
Other names: c.1264C>T (NM_000562.2); short protein forms R422W.
Identifiers: ClinVar variation 1471834 (VCV001471834.11), dbSNP rs146489003, ClinGen allele CA875314.
Genomic context (GRCh38, chr1:56,907,997, plus strand): 5'-TTTATCCTCTTGATGGCAGAAAGGGCCAGGAAGGCCATGGCTGTGGAAGACATTATTTCT[C>T]GGGTGCGAGGTGGCAGTTCTGGCTGGAGCGGTGGCTTGGCACAGAACAGGAGCACCATTA-3'
Protein context (NP_000553.1, residues 412-432): KAMAVEDIIS[Arg422Trp]VRGGSSGWSG